The following is an entry in ClinVar:

NM_002181.4(IHH):c.916G>T (p.Val306Leu)

Gene: IHH (Indian hedgehog signaling molecule; minus strand). Cytogenetic location: 2q35.
Variant type: single nucleotide variant.
Coding change: c.916G>T on transcript NM_002181.4 (MANE Select); coding-DNA position 916, G replaced by T.
Protein change: p.Val306Leu; replaces valine 306 with leucine.
Molecular consequence: missense variant.
Genome position (GRCh38, 1-based): chr2:219,055,527, C>A on the plus strand (G>T on the coding strand, the complement: IHH is on the minus strand). VCF-style: chr2-219055527-C-A. GRCh37 (hg19) VCF-style: chr2-219920249-C-A.
Other names: short protein forms V306L.
Identifiers: ClinVar variation 3048859 (VCV003048859.2), dbSNP rs1012327477, ClinGen allele CA65947938.
Genomic context (GRCh38, chr2:219,055,527, plus strand): 5'-GGGCCACGTGTGTAGAGACAGCTGCCACGCGGGCAGGCTGCAGGCCTGGCACCCCAGCCA[C>A]CAGCACGTACTGGCCAGGCTGCACGTGGCTGGCAAATGTGGCCCGGAAGCGGGCTGCCGG-3'
Protein context (NP_002172.2, residues 296-316): SHVQPGQYVL[Val306Leu]AGVPGLQPAR

ClinVar aggregate classification (germline): Uncertain significance (0 of 4 stars; one submission).

Conditions:
IHH-related disorder. Also called: IHH-related condition.

Allele frequency attached by ClinVar (database versions not stated): TOPMed below 0.00001.

Submission:

PreventionGenetics, part of Exact Sciences
Classification: Uncertain significance for IHH-related condition. Last evaluated: 2024-08-12. Review status: no assertion criteria provided. Collection method: clinical testing. Allele origin: germline.
Comment: The IHH c.916G>T variant is predicted to result in the amino acid substitution p.Val306Leu. To our knowledge, this variant has not been reported in the literature or in gnomAD, indicating this variant is rare. At this time, the clinical significance of this variant is uncertain due to the absence of conclusive functional and genetic evidence.